The following is an entry in ClinVar:

NM_000059.4(BRCA2):c.4922A>G (p.Glu1641Gly)

Gene: BRCA2 (BRCA2 DNA repair associated; plus strand). Cytogenetic location: 13q13.1.
Variant type: single nucleotide variant.
Coding change: c.4922A>G on transcript NM_000059.4 (MANE Select); coding-DNA position 4922, A replaced by G.
Protein change: p.Glu1641Gly; replaces glutamic acid 1641 with glycine.
Molecular consequence: missense variant. On other transcripts: non-coding transcript variant (1), intron variant (2).
Genome position (GRCh38, 1-based): chr13:32,339,277, A>G. VCF-style: chr13-32339277-A-G. GRCh37 (hg19) VCF-style: chr13-32913414-A-G.
Other names: c.4922A>G, p.Glu1641Gly (NM_001406719.1, NM_001406720.1); c.1910-5281A>G (NM_001406721.1); c.425-5281A>G (NM_001406722.1); short protein forms E1641G.
Identifiers: ClinVar variation 2698903 (VCV002698903.3), dbSNP rs2137511690, ClinGen allele CA387783630.
Genomic context (GRCh38, chr13:32,339,277, plus strand): 5'-GTAGACAAACTGAAAATCTCAAAACATCAAAAAGTATCTTTTTGAAAGTTAAAGTACATG[A>G]AAATGTAGAAAAAGAAACAGCAAAAAGTCCTGCAACTTGTTACACAAATCAGTCCCCTTA-3'
Protein context (NP_000050.3, residues 1631-1651): KSIFLKVKVH[Glu1641Gly]NVEKETAKSP

ClinVar aggregate classification (germline): Uncertain significance (1 of 4 stars; one submission).

Conditions:
Hereditary breast ovarian cancer syndrome. Also called: BRCA1- and BRCA2-Associated Hereditary Breast and Ovarian Cancer; Hereditary breast and ovarian cancer; Hereditary breast and ovarian cancer syndrome (HBOC); Hereditary breast and ovarian cancer syndrome; Hereditary breast and/or ovarian cancer syndrome; Breast and ovarian cancer. Identifiers: Orphanet 145, MedGen C0677776, MeSH D061325, MONDO:0003582. Disease mechanism: loss of function.

Submission:

Labcorp Genetics (formerly Invitae), Labcorp
Classification: Uncertain significance for Hereditary breast ovarian cancer syndrome. Last evaluated: 2024-05-23. Review status: criteria provided, single submitter. Criteria: Invitae Variant Classification Sherloc (09022015). Collection method: clinical testing. Allele origin: germline.
Comment: This sequence change replaces glutamic acid, which is acidic and polar, with glycine, which is neutral and non-polar, at codon 1641 of the BRCA2 protein (p.Glu1641Gly). This variant is not present in population databases (gnomAD no frequency). This variant has not been reported in the literature in individuals affected with BRCA2-related conditions. Advanced modeling of protein sequence and biophysical properties (such as structural, functional, and spatial information, amino acid conservation, physicochemical variation, residue mobility, and thermodynamic stability) performed at Invitae indicates that this missense variant is not expected to disrupt BRCA2 protein function with a negative predictive value of 95%. In summary, the available evidence is currently insufficient to determine the role of this variant in disease. Therefore, it has been classified as a Variant of Uncertain Significance.